The following is an entry in ClinVar:

Conditions:
Breast-ovarian cancer, familial, susceptibility to, 1 (BROVCA1). Also called: BRCA1 Hereditary Breast and Ovarian Cancer; OVARIAN CANCER, SUSCEPTIBILITY TO. Identifiers: Orphanet 145, MedGen C2676676, MONDO:0011450, OMIM 604370. Disease mechanism: loss of function.

Allele frequency attached by ClinVar (database versions not stated): gnomAD exomes below 0.00001.
gnomAD v4.1: 1 of 1,614,170 alleles (0.000062%); highest among the groups gnomAD compares: Non-Finnish European, 0.000085%; no homozygotes.

Submission:

Brotman Baty Institute, University of Washington
No classification provided (evidence only). Condition: Breast-ovarian cancer, familial 1. Review status: no classification provided. Collection method: in vitro. Allele origin: not applicable. Functional consequence: functionally_normal.
ClinVar note: "not provided" was previously submitted as the classification for the variant. However, the classification appeared to be based only on an observation of functional data so it was converted to no classification on 2025-07-30.

NM_007294.4(BRCA1):c.4979A>G (p.Glu1660Gly)

Gene: BRCA1 (BRCA1 DNA repair associated; minus strand). Cytogenetic location: 17q21.31.
Variant type: single nucleotide variant.
Coding change: c.4979A>G on transcript NM_007294.4 (MANE Select); coding-DNA position 4979, A replaced by G.
Protein change: p.Glu1660Gly; replaces glutamic acid 1660 with glycine.
Molecular consequence: missense variant. On other transcripts: non-coding transcript variant (1).
Genome position (GRCh38, 1-based): chr17:43,070,935, T>C on the plus strand (A>G on the coding strand, the complement: BRCA1 is on the minus strand). VCF-style: chr17-43070935-T-C. GRCh37 (hg19) VCF-style: chr17-41222952-T-C.
Other names: c.4976A>G, p.Glu1659Gly (NM_001407618.1, NM_001407619.1, NM_001407620.1 and 17 more transcripts); c.4973A>G, p.Glu1658Gly (NM_001407635.1, NM_001407636.1, NM_001407637.1 and 14 more transcripts); c.4970A>G, p.Glu1657Gly (NM_001407644.1, NM_001407645.1); c.4898A>G, p.Glu1633Gly (NM_001407657.1, NM_001407658.1, NM_001407656.1); c.4895A>G, p.Glu1632Gly (NM_001407659.1, NM_001407660.1, NM_001407661.1 and 2 more transcripts); c.4856A>G, p.Glu1619Gly (NM_001407664.1, NM_001407665.1, NM_001407919.1 and 6 more transcripts); c.4853A>G, p.Glu1618Gly (NM_001407676.1, NM_001407677.1, NM_001407678.1 and 11 more transcripts); c.4850A>G, p.Glu1617Gly (NM_001407681.1, NM_001407682.1, NM_001407683.1 and 6 more transcripts); and 70 more; short protein forms E1660G, E556G, E1681G, E1613G, E1491G, E1532G, E1571G, E1589G.
Identifiers: ClinVar variation 868471 (VCV000868471.3), dbSNP rs2052356167, ClinGen allele CA10591568.
Genomic context (GRCh38, chr17:43,070,935, plus strand): 5'-CCAGAATGTTGTTAAGTCTTAGTCATTAGGGAGATACATATGGATACACTCACAAATTCT[T>C]CTGGGGTCAGGCCAGACACCACCATGGACATTCTTTTGTTGACCCTTTCTGTTGAAGCTG-3'
Protein context (NP_009225.1, residues 1650-1670): MSMVVSGLTP[Glu1660Gly]EFMLVYKFAR